The following is an entry in ClinVar:

ClinVar aggregate classification (germline): Uncertain significance (1 of 4 stars; one submission).

gnomAD v4.1: 3 of 1,536,532 alleles (0.0002%); highest among the groups gnomAD compares: Admixed American, 0.002%; no homozygotes.

Submission:

Labcorp Genetics (formerly Invitae), Labcorp
Classification: Uncertain significance. Last evaluated: 2026-01-16. Review status: criteria provided, single submitter. Criteria: Invitae Variant Classification Sherloc (09022015). Collection method: clinical testing. Allele origin: germline.
Comment: The FMN1 gene has multiple clinically relevant transcripts. This variant occurs in alternate transcript NM_001277314.1, and corresponds to NM_001103184.3:c.-83455C>T in the primary transcript. This sequence change affects codon 636 of the FMN1 mRNA. It is a 'silent' change, meaning that it does not change the encoded amino acid sequence of the FMN1 protein. This variant is present in population databases (no rsID available, gnomAD 0.007%). This variant has not been reported in the literature in individuals affected with FMN1-related conditions. Experimental studies and prediction algorithms are not available or were not evaluated, and the effect of this variant on mRNA splicing is currently unknown. In summary, the available evidence is currently insufficient to determine the role of this variant in disease. Therefore, it has been classified as a Variant of Uncertain Significance.

NM_001277313.2(FMN1):c.1867+1709C>T

Gene: FMN1 (formin 1; minus strand). Cytogenetic location: 15q13.3.
Variant type: single nucleotide variant.
Coding change: c.1867+1709C>T on transcript NM_001277313.2 (MANE Select); 1709 bases into the intron after coding-DNA position 1867, C replaced by T.
Molecular consequence: intron variant. On other transcripts: synonymous variant (1).
Genome position (GRCh38, 1-based): chr15:33,151,339, G>A on the plus strand (C>T on the coding strand, the complement: FMN1 is on the minus strand). VCF-style: chr15-33151339-G-A. GRCh37 (hg19) VCF-style: chr15-33443540-G-A.
Other names: c.1908C>T, p.Val636= (NM_001277314.2).
Identifiers: ClinVar variation 4704016 (VCV004704016.1).